The following is an entry in ClinVar:

ClinVar aggregate classification (germline): Likely benign. Review status: criteria provided, multiple submitters, no conflicts (2 of 4 stars). 3 submissions from 3 submitters: Likely benign (2). 1 of the submissions does not count toward it. Last evaluated 2025-06-24.

Conditions:
SHOC2-related disorder. Also called: SHOC2-related condition.
RASopathy. Also called: Noonan spectrum disorder; rasopathies. Identifiers: Orphanet 536391, MedGen C5555857, MONDO:0021060.

Allele frequency attached by ClinVar (database versions not stated): ExAC 0.00002; gnomAD exomes 0.00002 and 0.00004; TOPMed 0.00002; gnomAD 0.00004; 1000 Genomes Project 30x 0.00016; 1000 Genomes Project 0.00020.
gnomAD v4.1: 65 of 1,606,966 alleles (0.004%); highest among the groups gnomAD compares: Non-Finnish European, 0.0054%; no homozygotes.

Submissions (3):

Labcorp Genetics (formerly Invitae), Labcorp
Classification: Likely benign for RASopathy. Last evaluated: 2025-06-24. Review status: criteria provided, single submitter. Criteria: Invitae Variant Classification Sherloc (09022015). Collection method: clinical testing. Allele origin: germline.

GeneDx
Classification: Likely benign. Last evaluated: 2017-03-29. Review status: criteria provided, single submitter. Criteria: GeneDx Variant Classification (06012015). Collection method: clinical testing. Allele origin: germline. Affected: yes.
Comment: This variant is considered likely benign or benign based on one or more of the following criteria: it is a conservative change, it occurs at a poorly conserved position in the protein, it is predicted to be benign by multiple in silico algorithms, and/or has population frequency not consistent with disease.

PreventionGenetics, part of Exact Sciences
Classification: Likely benign for SHOC2-related condition. Last evaluated: 2024-09-04. Review status: no assertion criteria provided. Collection method: clinical testing. Allele origin: germline. Not counted in ClinVar's aggregate classification.
Comment: This variant is classified as likely benign based on ACMG/AMP sequence variant interpretation guidelines (Richards et al. 2015 PMID: 25741868, with internal and published modifications).

NM_007373.4(SHOC2):c.1541-10T>G

Gene: SHOC2 (SHOC2 leucine rich repeat scaffold protein; plus strand). Cytogenetic location: 10q25.2.
Variant type: single nucleotide variant.
Coding change: c.1541-10T>G on transcript NM_007373.4 (MANE Select); 10 bases into the intron before coding-DNA position 1541, T replaced by G.
Molecular consequence: intron variant.
Genome position (GRCh38, 1-based): chr10:111,011,600, T>G. VCF-style: chr10-111011600-T-G. GRCh37 (hg19) VCF-style: chr10-112771358-T-G.
Other names: c.1541-10T>G (NM_001324336.2, NM_001324337.2); c.1403-10T>G (NM_001269039.3).
Identifiers: ClinVar variation 508430 (VCV000508430.10), dbSNP rs202207809, ClinGen allele CA5689815.
Genomic context (GRCh38, chr10:111,011,600, plus strand): 5'-CATCATGCCCAGTTGAACTTTTAAAATAGCAACTAATTTTTAAAAAAAAATTGATTTTTT[T>G]TTTAAACAGGTACACTGGAGAACCTAGAAGAACTGTATTTGAATGACAACCCCAACCTGC-3'